The following is an entry in ClinVar:

NM_006904.7(PRKDC):c.6255G>A (p.Met2085Ile)

Gene: PRKDC (protein kinase, DNA-activated, catalytic subunit; minus strand). Cytogenetic location: 8q11.21.
Variant type: single nucleotide variant.
Coding change: c.6255G>A on transcript NM_006904.7 (MANE Select); coding-DNA position 6255, G replaced by A.
Protein change: p.Met2085Ile; replaces methionine 2085 with isoleucine.
Molecular consequence: missense variant.
Genome position (GRCh38, 1-based): chr8:47,858,939, C>T on the plus strand (G>A on the coding strand, the complement: PRKDC is on the minus strand). VCF-style: chr8-47858939-C-T. GRCh37 (hg19) VCF-style: chr8-48771500-C-T.
Other names: c.6255G>A, p.Met2085Ile (NM_001081640.2); short protein forms M2085I.
Identifiers: ClinVar variation 1752459 (VCV001752459.2), dbSNP rs1347834712, ClinGen allele CA371161005.

ClinVar aggregate classification (germline): Uncertain significance (1 of 4 stars; one submission).

Allele frequency attached by ClinVar (database versions not stated): gnomAD exomes below 0.00001.
gnomAD v4.1: 1 of 1,613,692 alleles (0.000062%); highest among the groups gnomAD compares: Admixed American, 0.0017%; no homozygotes.

Submission:

Ambry Genetics
Classification: Uncertain significance. Last evaluated: 2021-08-19. Review status: criteria provided, single submitter. Criteria: Ambry Variant Classification Scheme 2023. Collection method: clinical testing. Allele origin: germline.
Comment: The p.M2085I variant (also known as c.6255G>A), located in coding exon 47 of the PRKDC gene, results from a G to A substitution at nucleotide position 6255. The methionine at codon 2085 is replaced by isoleucine, an amino acid with highly similar properties. This amino acid position is conserved. In addition, this alteration is predicted to be tolerated by in silico analysis. Since supporting evidence is limited at this time, the clinical significance of this alteration remains unclear.